The following is an entry in ClinVar:

NM_001135146.2(SLC39A8):c.69G>C (p.Glu23Asp)

Genes: SLC39A8 (solute carrier family 39 member 8; minus strand), LOC129992876 (ATAC-STARR-seq lymphoblastoid silent region 15595; plus strand). Cytogenetic location: 4q24.
Variant type: single nucleotide variant.
Coding change: c.69G>C on transcript NM_001135146.2 (MANE Select); coding-DNA position 69, G replaced by C.
Protein change: p.Glu23Asp; replaces glutamic acid 23 with aspartic acid.
Molecular consequence: missense variant.
Genome position (GRCh38, 1-based): chr4:102,344,594, C>G on the plus strand (G>C on the coding strand, the complement: SLC39A8 is on the minus strand). VCF-style: chr4-102344594-C-G. GRCh37 (hg19) VCF-style: chr4-103265751-C-G.
Other names: c.69G>C, p.Glu23Asp (NM_001135147.1, NM_022154.5); short protein forms E23D.
Identifiers: ClinVar variation 2110644 (VCV002110644.4), dbSNP rs2476524841, ClinGen allele CA357956978.

ClinVar aggregate classification (germline): Uncertain significance (1 of 4 stars; one submission).

Submission:

Labcorp Genetics (formerly Invitae), Labcorp
Classification: Uncertain significance. Last evaluated: 2023-07-10. Review status: criteria provided, single submitter. Criteria: Invitae Variant Classification Sherloc (09022015). Collection method: clinical testing. Allele origin: germline.
Comment: ClinVar contains an entry for this variant (Variation ID: 2110644). This variant has not been reported in the literature in individuals affected with SLC39A8-related conditions. This variant is not present in population databases (gnomAD no frequency). This sequence change replaces glutamic acid, which is acidic and polar, with aspartic acid, which is acidic and polar, at codon 23 of the SLC39A8 protein (p.Glu23Asp). An algorithm developed to predict the effect of missense changes on protein structure and function (PolyPhen-2) suggests that this variant is likely to be tolerated. In summary, the available evidence is currently insufficient to determine the role of this variant in disease. Therefore, it has been classified as a Variant of Uncertain Significance.